The following is an entry in ClinVar:

NM_000465.4(BARD1):c.1004G>T (p.Arg335Ile)

Gene: BARD1 (BRCA1 associated RING domain 1; minus strand). Cytogenetic location: 2q35.
Variant type: single nucleotide variant.
Coding change: c.1004G>T on transcript NM_000465.4 (MANE Select); coding-DNA position 1004, G replaced by T.
Protein change: p.Arg335Ile; replaces arginine 335 with isoleucine.
Molecular consequence: missense variant. On other transcripts: non-coding transcript variant (2), intron variant (3).
Genome position (GRCh38, 1-based): chr2:214,780,870, C>A on the plus strand (G>T on the coding strand, the complement: BARD1 is on the minus strand). VCF-style: chr2-214780870-C-A. GRCh37 (hg19) VCF-style: chr2-215645594-C-A.
Other names: c.947G>T, p.Arg316Ile (NM_001282543.2); c.159-28315G>T (NM_001282548.2); c.215+16191G>T (NM_001282545.2); c.364+11427G>T (NM_001282549.2); short protein forms R316I, R335I.
Identifiers: ClinVar variation 2713875 (VCV002713875.3), dbSNP rs2469505399, ClinGen allele CA350454413.

ClinVar aggregate classification (germline): Uncertain significance (1 of 4 stars; one submission).

Conditions:
Familial cancer of breast. Also called: hereditary breast carcinoma; Hereditary breast cancer; BREAST CANCER, FAMILIAL. Identifiers: Orphanet 227535, MedGen C0346153, MONDO:0016419, OMIM 114480. Disease mechanism: loss of function.

Submission:

Labcorp Genetics (formerly Invitae), Labcorp
Classification: Uncertain significance for Familial cancer of breast. Last evaluated: 2024-01-28. Review status: criteria provided, single submitter. Criteria: Invitae Variant Classification Sherloc (09022015). Collection method: clinical testing. Allele origin: germline.
Comment: This sequence change replaces arginine, which is basic and polar, with isoleucine, which is neutral and non-polar, at codon 335 of the BARD1 protein (p.Arg335Ile). This variant is not present in population databases (gnomAD no frequency). This variant has not been reported in the literature in individuals affected with BARD1-related conditions. An algorithm developed to predict the effect of missense changes on protein structure and function (PolyPhen-2) suggests that this variant is likely to be disruptive. In summary, the available evidence is currently insufficient to determine the role of this variant in disease. Therefore, it has been classified as a Variant of Uncertain Significance.